The following is an entry in ClinVar:

NM_004415.4(DSP):c.582G>A (p.Trp194Ter)

Gene: DSP (desmoplakin; plus strand). Cytogenetic location: 6p24.3.
Variant type: single nucleotide variant.
Coding change: c.582G>A on transcript NM_004415.4 (MANE Select); coding-DNA position 582, G replaced by A.
Protein change: p.Trp194Ter; replaces tryptophan 194 with a stop codon.
Molecular consequence: nonsense.
Genome position (GRCh38, 1-based): chr6:7,559,385, G>A. VCF-style: chr6-7559385-G-A. GRCh37 (hg19) VCF-style: chr6-7559618-G-A.
Other names: c.582G>A, p.Trp194Ter (NM_001008844.3, NM_001319034.2, NM_001406591.1); short protein forms W194*.
Identifiers: ClinVar variation 2942328 (VCV002942328.3), dbSNP rs1345570966, ClinGen allele CA362672846.

ClinVar aggregate classification (germline): Pathogenic (1 of 4 stars; one submission).

Conditions:
Arrhythmogenic cardiomyopathy with wooly hair and keratoderma. Also called: Arrhythmogenic cardiomyopathy with woolly hair and keratoderma; PALMOPLANTAR KERATODERMA WITH LEFT VENTRICULAR CARDIOMYOPATHY AND WOOLLY HAIR; Carvajal syndrome; Dilated cardiomyopathy with woolly hair and keratoderma. Identifiers: Orphanet 65282, MedGen C1854063, MONDO:0011581, OMIM 605676.
Arrhythmogenic right ventricular dysplasia 8 (ARVD8). Also called: Arrhythmogenic Right Ventricular Dysplasia/Cardiomyopathy 8; ARRHYTHMOGENIC RIGHT VENTRICULAR DYSPLASIA, FAMILIAL, 8; ARRHYTHMOGENIC RIGHT VENTRICULAR CARDIOMYOPATHY 8. Identifiers: MedGen C1843896, MONDO:0011831, OMIM 607450.

Submission:

Labcorp Genetics (formerly Invitae), Labcorp
Classification: Pathogenic for Arrhythmogenic cardiomyopathy with wooly hair and keratoderma; Arrhythmogenic right ventricular dysplasia 8. Last evaluated: 2024-04-29. Review status: criteria provided, single submitter. Criteria: Invitae Variant Classification Sherloc (09022015). Collection method: clinical testing. Allele origin: germline.
Comment: This sequence change creates a premature translational stop signal (p.Trp194*) in the DSP gene. It is expected to result in an absent or disrupted protein product. Loss-of-function variants in DSP are known to be pathogenic (PMID: 20716751, 24503780, 25227139). This variant is not present in population databases (gnomAD no frequency). This variant has not been reported in the literature in individuals affected with DSP-related conditions. For these reasons, this variant has been classified as Pathogenic.

Literature cited by the submitters: PubMed 20716751; PubMed 24503780; PubMed 25227139.